The following is an entry in ClinVar:

NM_000455.5(STK11):c.562G>A (p.Gly188Ser)

Gene: STK11 (serine/threonine kinase 11; plus strand). Cytogenetic location: 19p13.3.
Variant type: single nucleotide variant.
Coding change: c.562G>A on transcript NM_000455.5 (MANE Select); coding-DNA position 562, G replaced by A.
Protein change: p.Gly188Ser; replaces glycine 188 with serine.
Molecular consequence: missense variant. On other transcripts: non-coding transcript variant (1).
Genome position (GRCh38, 1-based): chr19:1,220,470, G>A. VCF-style: chr19-1220470-G-A. GRCh37 (hg19) VCF-style: chr19-1220469-G-A.
Other names: c.562G>A, p.Gly188Ser (NM_001407255.1); short protein forms G188S.
Identifiers: ClinVar variation 3450568 (VCV003450568.1).

ClinVar aggregate classification (germline): Uncertain significance (1 of 4 stars; one submission).

Conditions:
Hereditary cancer-predisposing syndrome. Also called: Tumor predisposition; Neoplastic Syndromes, Hereditary; Hereditary neoplastic syndrome; Hereditary Cancer Syndrome. Identifiers: Orphanet 140162, MedGen C0027672, MeSH D009386, MONDO:0015356.

Submission:

Ambry Genetics
Classification: Uncertain significance for Hereditary cancer-predisposing syndrome. Last evaluated: 2024-07-18. Review status: criteria provided, single submitter. Criteria: Ambry Variant Classification Scheme 2023. Collection method: clinical testing. Allele origin: germline.
Comment: The p.G188S variant (also known as c.562G>A), located in coding exon 4 of the STK11 gene, results from a G to A substitution at nucleotide position 562. The glycine at codon 188 is replaced by serine, an amino acid with similar properties. This amino acid position is conserved. In addition, this alteration is predicted to be deleterious by in silico analysis. Based on the available evidence, the clinical significance of this variant remains unclear.